The following is an entry in ClinVar:

NM_016333.4(SRRM2):c.6909A>C (p.Pro2303=)

Gene: SRRM2 (serine/arginine repetitive matrix 2; plus strand). Cytogenetic location: 16p13.3.
Variant type: single nucleotide variant.
Coding change: c.6909A>C on transcript NM_016333.4 (MANE Select); coding-DNA position 6909, A replaced by C.
Protein change: p.Pro2303=; no amino-acid change (proline 2303 retained).
Molecular consequence: synonymous variant.
Genome position (GRCh38, 1-based): chr16:2,767,437, A>C. VCF-style: chr16-2767437-A-C. GRCh37 (hg19) VCF-style: chr16-2817438-A-C.
Identifiers: ClinVar variation 4084406 (VCV004084406.8).
Genomic context (GRCh38, chr16:2,767,437, plus strand): 5'-CCTGGCTGACCCTCGCACTCCCACAGCCCCAGCTGTGAACCTAGCAGGGGCCAGAACCCC[A>C]GCTGCCTTGGCAGCTCTGAGTCTCACAGGCTCTGGCACACCACCAACTGCTGCAAACTAT-3'
Protein context (NP_057417.3, residues 2293-2313): PAVNLAGART[Pro2303=]AALAALSLTG

ClinVar aggregate classification (germline): Likely benign (1 of 4 stars; one submission).

gnomAD v4.1: 48 of 1,613,952 alleles (0.003%); highest among the groups gnomAD compares: Non-Finnish European, 0.004%; no homozygotes.

Submission:

CeGaT Center for Human Genetics Tuebingen
Classification: Likely benign. Last evaluated: 2026-08-01. Review status: criteria provided, single submitter. Criteria: CeGaT Center For Human Genetics Tuebingen Variant Classification Criteria Version 2. Collection method: clinical testing. Allele origin: germline. Affected: yes. Observed: 2 variant alleles.
Comment: SRRM2: BP4, BP7